The following is an entry in ClinVar:

NM_005026.5(PIK3CD):c.-138+2480C>T

Genes: PIK3CD (phosphatidylinositol-4,5-bisphosphate 3-kinase catalytic subunit delta; plus strand), PIK3CD-AS1 (PIK3CD antisense RNA 1; minus strand). Cytogenetic location: 1p36.22.
Variant type: single nucleotide variant.
Coding change: c.-138+2480C>T on transcript NM_005026.5 (MANE Select); 2480 bases into the intron after 138 bases upstream of the start codon, C replaced by T.
Molecular consequence: intron variant. On other transcripts: non-coding transcript variant (1).
Genome position (GRCh38, 1-based): chr1:9,654,282, C>T. VCF-style: chr1-9654282-C-T. GRCh37 (hg19) VCF-style: chr1-9714340-C-T.
Identifiers: ClinVar variation 2638188 (VCV002638188.24), dbSNP rs139847517, ClinGen allele CA576679.

ClinVar aggregate classification (germline): Benign (1 of 4 stars; one submission).

Allele frequency attached by ClinVar (database versions not stated): 1000 Genomes Project 30x 0.00375; 1000 Genomes Project 0.00379; ExAC 0.00581; gnomAD 0.00646; TOPMed 0.00714; ESP Exome Variant Server 0.00830; gnomAD exomes 0.00854.
gnomAD v4.1: 11,463 of 1,367,744 alleles (0.84%); highest among the groups gnomAD compares: Middle Eastern, 1.6%; 66 homozygotes.

Submission:

CeGaT Center for Human Genetics Tuebingen
Classification: Benign. Last evaluated: 2026-08-01. Review status: criteria provided, single submitter. Criteria: CeGaT Center For Human Genetics Tuebingen Variant Classification Criteria Version 2. Collection method: clinical testing. Allele origin: germline. Affected: yes. Observed: 25 variant alleles.
Comment: PIK3CD-AS1: BS1, BS2; PIK3CD: BS1, BS2